The following is an entry in ClinVar:

ClinVar aggregate classification (germline): Likely benign. Review status: criteria provided, multiple submitters, no conflicts (2 of 4 stars). 3 submissions from 3 submitters: Likely benign (3). Last evaluated 2025-12-16.

Conditions:
ABCC6-related disorder. Also called: ABCC6-related condition.

Allele frequency attached by ClinVar (database versions not stated): gnomAD exomes 0.00001 and 0.00002; ExAC 0.00003; gnomAD 0.00008 and 0.00009; TOPMed 0.00008; ESP Exome Variant Server 0.00015.
gnomAD v4.1: 36 of 1,613,944 alleles (0.0022%); highest among the groups gnomAD compares: African/African-American, 0.028%; no homozygotes.

Submissions (3):

PreventionGenetics, part of Exact Sciences
Classification: Likely benign for ABCC6-related condition. Last evaluated: 2025-12-16. Review status: criteria provided, single submitter. Criteria: ACMG Guidelines, 2015. Collection method: clinical testing. Allele origin: germline.
Comment: This variant is classified as likely benign based on ACMG/AMP sequence variant interpretation guidelines (Richards et al. 2015 PMID: 25741868, with internal and published modifications).

Labcorp Genetics (formerly Invitae), Labcorp
Classification: Likely benign. Last evaluated: 2025-10-12. Review status: criteria provided, single submitter. Criteria: Invitae Variant Classification Sherloc (09022015). Collection method: clinical testing. Allele origin: germline.

Blueprint Genetics
Classification: Likely benign. Last evaluated: 2022-09-28. Review status: criteria provided, single submitter. Criteria: ACMG Guidelines, 2015. Collection method: clinical testing. Allele origin: germline.

NM_001171.6(ABCC6):c.2757A>G (p.Pro919=)

Gene: ABCC6 (ATP binding cassette subfamily C member 6; minus strand). Cytogenetic location: 16p13.11.
Variant type: single nucleotide variant.
Coding change: c.2757A>G on transcript NM_001171.6 (MANE Select); coding-DNA position 2757, A replaced by G.
Protein change: p.Pro919=; no amino-acid change (proline 919 retained).
Molecular consequence: synonymous variant. On other transcripts: non-coding transcript variant (1).
Genome position (GRCh38, 1-based): chr16:16,173,314, T>C on the plus strand (A>G on the coding strand, the complement: ABCC6 is on the minus strand). VCF-style: chr16-16173314-T-C. GRCh37 (hg19) VCF-style: chr16-16267171-T-C.
Other names: c.2415A>G, p.Pro805= (NM_001351800.1).
Identifiers: ClinVar variation 733889 (VCV000733889.9), dbSNP rs140467297, ClinGen allele CA7925803.